The following is an entry in ClinVar:

ClinVar aggregate classification (germline): Uncertain significance (1 of 4 stars; one submission).

Submission:

Labcorp Genetics (formerly Invitae), Labcorp
Classification: Uncertain significance. Last evaluated: 2023-06-05. Review status: criteria provided, single submitter. Criteria: Invitae Variant Classification Sherloc (09022015). Collection method: clinical testing. Allele origin: germline.
Comment: This variant has not been reported in the literature in individuals affected with PHEX-related conditions. In summary, the available evidence is currently insufficient to determine the role of this variant in disease. Therefore, it has been classified as a Variant of Uncertain Significance. Advanced modeling of protein sequence and biophysical properties (such as structural, functional, and spatial information, amino acid conservation, physicochemical variation, residue mobility, and thermodynamic stability) has been performed at Invitae for this missense variant, however the output from this modeling did not meet the statistical confidence thresholds required to predict the impact of this variant on PHEX protein function. This sequence change replaces glutamic acid, which is acidic and polar, with lysine, which is basic and polar, at codon 278 of the PHEX protein (p.Glu278Lys). This variant is not present in population databases (gnomAD no frequency).

NM_000444.6(PHEX):c.832G>A (p.Glu278Lys)

Gene: PHEX (phosphate regulating endopeptidase X-linked; plus strand). Cytogenetic location: Xp22.11.
Variant type: single nucleotide variant.
Coding change: c.832G>A on transcript NM_000444.6 (MANE Select); coding-DNA position 832, G replaced by A.
Protein change: p.Glu278Lys; replaces glutamic acid 278 with lysine.
Molecular consequence: missense variant.
Genome position (GRCh38, 1-based): chrX:22,094,082, G>A. VCF-style: chrX-22094082-G-A. GRCh37 (hg19) VCF-style: chrX-22112200-G-A.
Other names: c.832G>A, p.Glu278Lys (NM_001282754.2); short protein forms E278K.
Identifiers: ClinVar variation 2773034 (VCV002773034.3), dbSNP rs1556024541, ClinGen allele CA412572472.